The following is an entry in ClinVar:

ClinVar aggregate classification (germline): Uncertain significance (1 of 4 stars; one submission).

Conditions:
ADCY3-related disorder. Also called: ADCY3-related condition.

gnomAD v4.1: 6 of 1,614,134 alleles (0.00037%); highest among the groups gnomAD compares: African/African-American, 0.008%; no homozygotes.

Submission:

PreventionGenetics, part of Exact Sciences
Classification: Uncertain significance for ADCY3-related condition. Last evaluated: 2026-02-18. Review status: criteria provided, single submitter. Criteria: ACMG Guidelines, 2015. Collection method: clinical testing. Allele origin: germline.
Comment: The ADCY3 c.2296A>C variant is predicted to result in the amino acid substitution p.Ile766Leu. To our knowledge, this variant has not been reported in the literature. This variant is reported in 0.0080% of alleles in individuals of African descent in gnomAD. At this time, the clinical significance of this variant is uncertain due to the absence of conclusive functional and genetic evidence.

NM_004036.5(ADCY3):c.2296A>C (p.Ile766Leu)

Gene: ADCY3 (adenylate cyclase 3; minus strand). Cytogenetic location: 2p23.3.
Variant type: single nucleotide variant.
Coding change: c.2296A>C on transcript NM_004036.5 (MANE Select); coding-DNA position 2296, A replaced by C.
Protein change: p.Ile766Leu; replaces isoleucine 766 with leucine.
Molecular consequence: missense variant. On other transcripts: intron variant (2).
Genome position (GRCh38, 1-based): chr2:24,828,038, T>G on the plus strand (A>C on the coding strand, the complement: ADCY3 is on the minus strand). VCF-style: chr2-24828038-T-G. GRCh37 (hg19) VCF-style: chr2-25050907-T-G.
Other names: c.2296A>C, p.Ile766Leu (NM_001320613.2, NM_001377132.1); c.2362A>C, p.Ile788Leu (NM_001377128.1); c.1573A>C, p.Ile525Leu (NM_001377131.1); c.2172+2671A>C (NM_001377130.1); c.2173-15A>C (NM_001377129.1); short protein forms I525L, I788L, I766L.
Identifiers: ClinVar variation 4986533 (VCV004986533.1).
Genomic context (GRCh38, chr2:24,828,038, plus strand): 5'-CGCCTGCGACGAGCAGCATGAGCGTGAGCTTCACCATGTGGCTGACCTGCACCAGCATGA[T>G]GGTGGCGATGAGGGACAGCACGGCCACATAGTTGTAATACTTGGGGTTCTCCAGGCAGCT-3'
Protein context (NP_004027.2, residues 756-776): YVAVLSLIAT[Ile766Leu]MLVQVSHMVK